The following is an entry in ClinVar:

NM_002769.5(PRSS1):c.652G>A (p.Asp218Asn)

Genes: PRSS1 (serine protease 1; plus strand), TRB (T cell receptor beta locus; plus strand). Cytogenetic location: 7q34.
Variant type: single nucleotide variant.
Coding change: c.652G>A on transcript NM_002769.5 (MANE Select); coding-DNA position 652, G replaced by A.
Protein change: p.Asp218Asn; replaces aspartic acid 218 with asparagine.
Molecular consequence: missense variant. On other transcripts: non-coding transcript variant (5).
Genome position (GRCh38, 1-based): chr7:142,752,928, G>A. VCF-style: chr7-142752928-G-A. GRCh37 (hg19) VCF-style: chr7-142460779-G-A.
Other names: short protein forms D218N.
Identifiers: ClinVar variation 1754070 (VCV001754070.7), dbSNP rs574391339, ClinGen allele CA369610709.

ClinVar aggregate classification (germline): Uncertain significance. Review status: criteria provided, multiple submitters, no conflicts (2 of 4 stars). 2 submissions from 2 submitters: Uncertain significance (2). Last evaluated 2025-05-08.

Conditions:
Hereditary pancreatitis (PCTT). Also called: Hereditary chronic pancreatitis; PRSS1-Related Hereditary Pancreatitis. Identifiers: Orphanet 676, MedGen C0238339, MONDO:0008185, OMIM 167800.

Allele frequency attached by ClinVar (database versions not stated): TOPMed below 0.00001.
gnomAD v4.1: 3 of 1,514,948 alleles (0.0002%); highest among the groups gnomAD compares: East Asian, 0.0071%; no homozygotes.

Submissions (2):

Ambry Genetics
Classification: Uncertain significance for Hereditary pancreatitis. Last evaluated: 2025-05-08. Review status: criteria provided, single submitter. Criteria: Ambry Variant Classification Scheme 2023. Collection method: clinical testing. Allele origin: germline.
Comment: The p.D218N variant (also known as c.652G>A), located in coding exon 5 of the PRSS1 gene, results from a G to A substitution at nucleotide position 652. The aspartic acid at codon 218 is replaced by asparagine, an amino acid with highly similar properties. This amino acid position is poorly conserved in available vertebrate species. In addition, this alteration is predicted to be tolerated by in silico analysis. Since supporting evidence is limited at this time, the clinical significance of this alteration remains unclear.

Labcorp Genetics (formerly Invitae), Labcorp
Classification: Uncertain significance for Hereditary pancreatitis. Last evaluated: 2024-05-14. Review status: criteria provided, single submitter. Criteria: Invitae Variant Classification Sherloc (09022015). Collection method: clinical testing. Allele origin: germline.
Comment: This sequence change replaces aspartic acid, which is acidic and polar, with asparagine, which is neutral and polar, at codon 218 of the PRSS1 protein (p.Asp218Asn). The frequency data for this variant in the population databases is considered unreliable, as metrics indicate poor data quality at this position in the gnomAD database. This variant has not been reported in the literature in individuals affected with PRSS1-related conditions. ClinVar contains an entry for this variant (Variation ID: 1754070). Advanced modeling of protein sequence and biophysical properties (such as structural, functional, and spatial information, amino acid conservation, physicochemical variation, residue mobility, and thermodynamic stability) performed at Invitae indicates that this missense variant is not expected to disrupt PRSS1 protein function with a negative predictive value of 80%. In summary, the available evidence is currently insufficient to determine the role of this variant in disease. Therefore, it has been classified as a Variant of Uncertain Significance.